The following is an entry in ClinVar:

ClinVar aggregate classification (germline): Uncertain significance (1 of 4 stars; one submission).

Conditions:
Arrhythmogenic cardiomyopathy with wooly hair and keratoderma. Also called: Carvajal syndrome; PALMOPLANTAR KERATODERMA WITH LEFT VENTRICULAR CARDIOMYOPATHY AND WOOLLY HAIR; Dilated cardiomyopathy with woolly hair and keratoderma; Arrhythmogenic cardiomyopathy with woolly hair and keratoderma. Identifiers: Orphanet 65282, MedGen C1854063, MONDO:0011581, OMIM 605676.

Submission:

All of Us Research Program, National Institutes of Health
Classification: Uncertain significance for Arrhythmogenic cardiomyopathy with wooly hair and keratoderma. Last evaluated: 2024-08-06. Review status: criteria provided, single submitter. Criteria: ACMG Guidelines, 2015. Collection method: clinical testing. Allele origin: germline. Inheritance: Autosomal dominant inheritance. Observed: 1 variant allele, 1 heterozygote.
Comment: This study involves interpretation of variants in research participants for the purpose of population health screening. Participant phenotype was not available at the time of variant classification. Additional details can be found in publication PMID: 35346344, PMCID: PMC8962531

NM_004415.4(DSP):c.2807A>G (p.Glu936Gly)

Gene: DSP (desmoplakin; plus strand). Cytogenetic location: 6p24.3.
Variant type: single nucleotide variant.
Coding change: c.2807A>G on transcript NM_004415.4 (MANE Select); coding-DNA position 2807, A replaced by G.
Protein change: p.Glu936Gly; replaces glutamic acid 936 with glycine.
Molecular consequence: missense variant.
Genome position (GRCh38, 1-based): chr6:7,576,972, A>G. VCF-style: chr6-7576972-A-G. GRCh37 (hg19) VCF-style: chr6-7577205-A-G.
Other names: c.2807A>G, p.Glu936Gly (NM_001008844.3, NM_001319034.2); short protein forms E936G.
Identifiers: ClinVar variation 3386649 (VCV003386649.1).